The following is an entry in ClinVar:

NM_001369.3(DNAH5):c.10858C>T (p.Arg3620Ter)

Gene: DNAH5 (dynein axonemal heavy chain 5; minus strand). Cytogenetic location: 5p15.2.
Variant type: single nucleotide variant.
Coding change: c.10858C>T on transcript NM_001369.3 (MANE Select); coding-DNA position 10858, C replaced by T.
Protein change: p.Arg3620Ter; replaces arginine 3620 with a stop codon.
Molecular consequence: nonsense.
Genome position (GRCh38, 1-based): chr5:13,753,247, G>A on the plus strand (C>T on the coding strand, the complement: DNAH5 is on the minus strand). VCF-style: chr5-13753247-G-A. GRCh37 (hg19) VCF-style: chr5-13753356-G-A.
Other names: short protein forms R3620*.
Identifiers: ClinVar variation 454728 (VCV000454728.11), dbSNP rs1283070426, ClinGen allele CA359190783.

ClinVar aggregate classification (germline): Pathogenic/Likely pathogenic. Review status: criteria provided, multiple submitters, no conflicts (2 of 4 stars). 4 submissions from 4 submitters: Pathogenic (2); Likely pathogenic (2). Last evaluated 2026-03-06.

Conditions:
Primary ciliary dyskinesia. Also called: Ciliary dyskinesia. Identifiers: Orphanet 244, MedGen C0008780, MONDO:0016575, HP:0012265.
Primary ciliary dyskinesia 3. Identifiers: Orphanet 244, MedGen C1837618, MONDO:0012085, OMIM 608644.

Allele frequency attached by ClinVar (database versions not stated): TOPMed below 0.00001; gnomAD exomes below 0.00001.
gnomAD v4.1: 6 of 1,613,374 alleles (0.00037%); highest among the groups gnomAD compares: South Asian, 0.0022%; no homozygotes.

Submissions (4):

Dasa
Classification: Likely pathogenic. Last evaluated: 2026-03-06. Review status: criteria provided, single submitter. Criteria: DASA Assertion Criteria. Collection method: clinical testing. Allele origin: germline.
Comment: NM_001369.3(DNAH5):c.10858C>T (p.Arg3620*) is a nonsense variant in DNAH5 predicted to introduce a premature termination codon and is predicted to result in an absent or altered protein product. Loss of function is an established disease mechanism for DNAH5-associated disorders. Also, this variant is rare in population databases. Based on the currently available evidence, this variant is classified as likely pathogenic.

Natera, Inc.
Classification: Likely pathogenic for Primary ciliary dyskinesia. Last evaluated: 2024-09-23. Review status: criteria provided, single submitter. Criteria: Natera Variant Classification Schema (03/2026). Collection method: clinical testing. Allele origin: germline.
Comment: The c.10858C>T variant in DNAH5 is a nonsense variant predicted to introduce a stop codon at amino acid 3620. This variant is expected to result in nonsense mediated decay, truncation, or a dysfunctional protein product. This variant is rare in the general population with a frequency below the threshold expected for the associated phenotype(s). Given the available evidence, this variant is classified as Likely Pathogenic.

Myriad Genetics, Inc.
Classification: Pathogenic for Primary ciliary dyskinesia 3. Last evaluated: 2024-05-08. Review status: criteria provided, single submitter. Criteria: Myriad Autosomal Dominant, Autosomal Recessive and X-Linked Classification Criteria (2023). Collection method: clinical testing. Allele origin: unknown.
Comment: NM_001369.2(DNAH5):c.10858C>T(R3620*) is expected to be pathogenic in the context of primary ciliary dyskinesia, DNAH5-related. This variant is predicted to lead to an abnormal or absent protein product due to the creation of a premature termination codon in DNAH5, a gene where loss-of-function variants are known to be pathogenic. Please note: this variant was assessed in the context of healthy population screening.

Labcorp Genetics (formerly Invitae), Labcorp
Classification: Pathogenic for Primary ciliary dyskinesia. Last evaluated: 2022-08-27. Review status: criteria provided, single submitter. Criteria: Invitae Variant Classification Sherloc (09022015). Collection method: clinical testing. Allele origin: germline.
Comment: For these reasons, this variant has been classified as Pathogenic. ClinVar contains an entry for this variant (Variation ID: 454728). This variant has not been reported in the literature in individuals affected with DNAH5-related conditions. This variant is present in population databases (no rsID available, gnomAD 0.0009%). This sequence change creates a premature translational stop signal (p.Arg3620*) in the DNAH5 gene. It is expected to result in an absent or disrupted protein product. Loss-of-function variants in DNAH5 are known to be pathogenic (PMID: 11788826, 16627867).

Literature cited by the submitters: PubMed 11788826 (cited by Labcorp Genetics (formerly Invitae), Labcorp); PubMed 16627867 (cited by Labcorp Genetics (formerly Invitae), Labcorp).